The following is an entry in ClinVar:

NM_001377540.1(SLMAP):c.1543G>A (p.Glu515Lys)

Gene: SLMAP (sarcolemma associated protein; plus strand). Cytogenetic location: 3p14.3.
Variant type: single nucleotide variant.
Coding change: c.1543G>A on transcript NM_001377540.1 (MANE Select); coding-DNA position 1543, G replaced by A.
Protein change: p.Glu515Lys; replaces glutamic acid 515 with lysine.
Molecular consequence: missense variant. On other transcripts: intron variant (12).
Genome position (GRCh38, 1-based): chr3:57,907,925, G>A. VCF-style: chr3-57907925-G-A. GRCh37 (hg19) VCF-style: chr3-57893652-G-A.
Other names: c.1492G>A, p.Glu498Lys (NM_001304420.3, NM_001377541.1, NM_001377542.1); c.1378G>A, p.Glu460Lys (NM_001304421.2, NM_001377557.1, NM_001377559.1); c.94G>A, p.Glu32Lys (NM_001304422.3, NM_001311178.2); c.1543G>A, p.Glu515Lys (NM_001377538.1, NM_001377539.1); c.1480G>A, p.Glu494Lys (NM_001377545.1); c.1441G>A, p.Glu481Lys (NM_001377549.1, NM_007159.5); c.1429G>A, p.Glu477Lys (NM_001377551.1, NM_001377552.1); c.1502-1151G>A (NM_001377555.1); and 7 more; short protein forms E460K, E477K, E498K, E481K, E515K, E32K, E494K.
Identifiers: ClinVar variation 3445702 (VCV003445702.1).
Genomic context (GRCh38, chr3:57,907,925, plus strand): 5'-ATAAACATGTTTTTGTCAGATGACTTGCAGGGTGCACAGTCAGAAATTGAGGCAAAGCAA[G>A]AAATACAGCATCTTCGAAAGGAATTGATCGAAGCCCAGGAGCTAGCTAGAACAAGTAAAC-3'
Protein context (NP_001364469.1, residues 505-525): GAQSEIEAKQ[Glu515Lys]IQHLRKELIE

ClinVar aggregate classification (germline): Uncertain significance (1 of 4 stars; one submission).

gnomAD v4.1: 3 of 1,613,958 alleles (0.00019%); highest among the groups gnomAD compares: Non-Finnish European, 0.00025%; no homozygotes.

Submission:

Ambry Genetics
Classification: Uncertain significance. Last evaluated: 2024-08-31. Review status: criteria provided, single submitter. Criteria: Ambry Variant Classification Scheme 2023. Collection method: clinical testing. Allele origin: germline.
Comment: The p.E481K variant (also known as c.1441G>A), located in coding exon 15 of the SLMAP gene, results from a G to A substitution at nucleotide position 1441. The glutamic acid at codon 481 is replaced by lysine, an amino acid with similar properties. This amino acid position is conserved. In addition, this alteration is predicted to be tolerated by in silico analysis. Based on the available evidence, the clinical significance of this variant remains unclear.